The following is an entry in ClinVar:

ClinVar aggregate classification (germline): Uncertain significance (1 of 4 stars; one submission).

Allele frequency attached by ClinVar (database versions not stated): ExAC 0.00001.

Submission:

Ambry Genetics
Classification: Uncertain significance. Last evaluated: 2021-11-22. Review status: criteria provided, single submitter. Criteria: Ambry Variant Classification Scheme 2023. Collection method: clinical testing. Allele origin: germline.
Comment: The p.E309G variant (also known as c.926A>G), located in coding exon 9 of the BUB1 gene, results from an A to G substitution at nucleotide position 926. The glutamic acid at codon 309 is replaced by glycine, an amino acid with similar properties. This amino acid position is conserved. In addition, this alteration is predicted to be tolerated by in silico analysis. Since supporting evidence is limited at this time, the clinical significance of this alteration remains unclear.

NM_004336.5(BUB1):c.926A>G (p.Glu309Gly)

Gene: BUB1 (BUB1 mitotic checkpoint serine/threonine kinase; minus strand). Cytogenetic location: 2q13.
Variant type: single nucleotide variant.
Coding change: c.926A>G on transcript NM_004336.5 (MANE Select); coding-DNA position 926, A replaced by G.
Protein change: p.Glu309Gly; replaces glutamic acid 309 with glycine.
Molecular consequence: missense variant.
Genome position (GRCh38, 1-based): chr2:110,666,294, T>C on the plus strand (A>G on the coding strand, the complement: BUB1 is on the minus strand). VCF-style: chr2-110666294-T-C. GRCh37 (hg19) VCF-style: chr2-111423871-T-C.
Other names: c.866A>G, p.Glu289Gly (NM_001278616.2); c.926A>G, p.Glu309Gly (NM_001278617.2); short protein forms E309G, E289G.
Identifiers: ClinVar variation 1766386 (VCV001766386.2), dbSNP rs746543230, ClinGen allele CA1828215.